The following is an entry in ClinVar:

NM_001032283.3(TMPO):c.565+1467C>G

Gene: TMPO (thymopoietin; plus strand). Cytogenetic location: 12q23.1.
Variant type: single nucleotide variant.
Coding change: c.565+1467C>G on transcript NM_001032283.3 (MANE Select); 1467 bases into the intron after coding-DNA position 565, C replaced by G.
Molecular consequence: intron variant. On other transcripts: missense variant (1).
Genome position (GRCh38, 1-based): chr12:98,533,305, C>G. VCF-style: chr12-98533305-C-G. GRCh37 (hg19) VCF-style: chr12-98927083-C-G.
Other names: c.1048C>G, p.Gln350Glu (NM_003276.2); c.565+1467C>G (NM_001307975.2, NM_001032284.3); short protein forms Q350E.
Identifiers: ClinVar variation 1014533 (VCV001014533.9), dbSNP rs200124801, ClinGen allele CA6732347.

ClinVar aggregate classification (germline): Uncertain significance (1 of 4 stars; one submission).

Conditions:
Loeys-Dietz syndrome 2 (LDS2). Also called: Marfan syndrome, type 2 (formerly); TGFBR2-Related Loeys-Dietz Syndrome; AORTIC ANEURYSM, FAMILIAL THORACIC 3; MARFAN SYNDROME, TYPE II; Marfan like connective tissue disorder; MFS 2. Identifiers: Orphanet 284973, Orphanet 558, MedGen C2674574, MONDO:0012427, OMIM 610168.

Allele frequency attached by ClinVar (database versions not stated): TOPMed 0.00001; 1000 Genomes Project 30x 0.00016.
gnomAD v4.1: 12 of 1,614,076 alleles (0.00074%); highest among the groups gnomAD compares: South Asian, 0.0022%; no homozygotes.

Submission:

Labcorp Genetics (formerly Invitae), Labcorp
Classification: Uncertain significance for Loeys-Dietz syndrome 2. Last evaluated: 2026-01-11. Review status: criteria provided, single submitter. Criteria: Invitae Variant Classification Sherloc (09022015). Collection method: clinical testing. Allele origin: germline.
Comment: This sequence change replaces glutamine, which is neutral and polar, with glutamic acid, which is acidic and polar, at codon 350 of the TMPO protein (p.Gln350Glu). This variant is present in population databases (rs200124801, gnomAD 0.006%). This variant has not been reported in the literature in individuals affected with TMPO-related conditions. ClinVar contains an entry for this variant (Variation ID: 1014533). Invitae Evidence Modeling of protein sequence and biophysical properties (such as structural, functional, and spatial information, amino acid conservation, physicochemical variation, residue mobility, and thermodynamic stability) indicates that this missense variant is not expected to disrupt TMPO protein function with a negative predictive value of 80%. In summary, the available evidence is currently insufficient to determine the role of this variant in disease. Therefore, it has been classified as a Variant of Uncertain Significance.